The following is an entry in ClinVar:

ClinVar aggregate classification (germline): Uncertain significance (1 of 4 stars; one submission).

Conditions:
Achondrogenesis, type IA (ACG1A). Identifiers: Orphanet 932, Orphanet 93299, MedGen C0265273, MONDO:0008701, OMIM 200600.

Submission:

Labcorp Genetics (formerly Invitae), Labcorp
Classification: Uncertain significance for Achondrogenesis, type IA. Last evaluated: 2020-08-30. Review status: criteria provided, single submitter. Criteria: Invitae Variant Classification Sherloc (09022015). Collection method: clinical testing. Allele origin: germline.
Comment: In summary, the available evidence is currently insufficient to determine the role of this variant in disease. Therefore, it has been classified as a Variant of Uncertain Significance. Experimental studies and prediction algorithms are not available or were not evaluated, and the functional significance of this variant is currently unknown. This variant has not been reported in the literature in individuals with TRIP11-related conditions. This variant is not present in population databases (ExAC no frequency). This variant, c.4159_4161del, results in the deletion of 1 amino acid(s) of the TRIP11 protein (p.Glu1387del), but otherwise preserves the integrity of the reading frame.

NM_004239.4(TRIP11):c.4159_4161del (p.Glu1387del)

Gene: TRIP11 (thyroid hormone receptor interactor 11; minus strand). Cytogenetic location: 14q32.12.
Variant type: Deletion.
Coding change: c.4159_4161del on transcript NM_004239.4 (MANE Select); coding-DNA positions 4159 to 4161, 3 bases deleted (GAA; older notation c.4159_4161delGAA).
Protein change: p.Glu1387del; deletes glutamic acid 1387.
Molecular consequence: inframe deletion.
Genome position (GRCh38, 1-based): chr14:92,003,815-92,003,817, TTC deleted on the plus strand (GAA on the coding strand, the reverse complement: TRIP11 is on the minus strand); deleting any 3 consecutive bases within chr14:92,003,815-92,003,819 gives the same sequence; the c. name uses the placement nearest the transcript's 3' end. VCF-style (leftmost placement, unchanged base first): chr14-92003814-GTTC-G. GRCh37 (hg19) VCF-style: chr14-92470158-GTTC-G.
Other names: c.4156_4158del, p.Glu1386del (NM_001321851.1); short protein forms E1386del, E1387del.
Identifiers: ClinVar variation 1004261 (VCV001004261.8), dbSNP rs1216670947, ClinGen allele CA616112951.